The following is an entry in ClinVar:

ClinVar aggregate classification (germline): Likely benign (0 of 4 stars; one submission).

Conditions:
SH3KBP1-related disorder. Also called: SH3KBP1-related condition.

Allele frequency attached by ClinVar (database versions not stated): TOPMed 0.00003; gnomAD 0.00005; ExAC 0.00016.
gnomAD v4.1: 73 of 1,190,088 alleles (0.0061%); highest among the groups gnomAD compares: Non-Finnish European, 0.0044%; no homozygotes.

Submission:

PreventionGenetics, part of Exact Sciences
Classification: Likely benign for SH3KBP1-related condition. Last evaluated: 2023-12-20. Review status: no assertion criteria provided. Collection method: clinical testing. Allele origin: germline.
Comment: This variant is classified as likely benign based on ACMG/AMP sequence variant interpretation guidelines (Richards et al. 2015 PMID: 25741868, with internal and published modifications).

NM_031892.3(SH3KBP1):c.520+557C>T

Gene: SH3KBP1 (SH3 domain containing kinase binding protein 1; minus strand). Cytogenetic location: Xp22.12.
Variant type: single nucleotide variant.
Coding change: c.520+557C>T on transcript NM_031892.3 (MANE Select); 557 bases into the intron after coding-DNA position 520, C replaced by T.
Molecular consequence: intron variant.
Genome position (GRCh38, 1-based): chrX:19,695,055, G>A on the plus strand (C>T on the coding strand, the complement: SH3KBP1 is on the minus strand). VCF-style: chrX-19695055-G-A. GRCh37 (hg19) VCF-style: chrX-19713173-G-A.
Other names: c.520+557C>T (NM_001353890.2, NM_001353892.2, NM_001353891.2); c.521-4C>T (NM_001410757.1, NM_001410756.1); c.343+557C>T (NM_001353894.2, NM_001353893.2, NM_001410758.1); c.344-4C>T (NM_001353895.2); c.409+557C>T (NM_001024666.3).
Identifiers: ClinVar variation 3046470 (VCV003046470.2), dbSNP rs750689665, ClinGen allele CA10364843.